The following is an entry in ClinVar:

NM_000158.4(GBE1):c.1592G>A (p.Gly531Asp)

Gene: GBE1 (1,4-alpha-glucan branching enzyme 1; minus strand). Cytogenetic location: 3p12.2.
Variant type: single nucleotide variant.
Coding change: c.1592G>A on transcript NM_000158.4 (MANE Select); coding-DNA position 1592, G replaced by A.
Protein change: p.Gly531Asp; replaces glycine 531 with aspartic acid.
Molecular consequence: missense variant.
Genome position (GRCh38, 1-based): chr3:81,577,951, C>T on the plus strand (G>A on the coding strand, the complement: GBE1 is on the minus strand). VCF-style: chr3-81577951-C-T. GRCh37 (hg19) VCF-style: chr3-81627102-C-T.
Other names: short protein forms G531D.
Identifiers: ClinVar variation 1516847 (VCV001516847.6), dbSNP rs2106933633, ClinGen allele CA353684614.

ClinVar aggregate classification (germline): Uncertain significance (1 of 4 stars; one submission).

Conditions:
Glycogen storage disease IV, classic hepatic. Also called: GSD IV, CLASSIC HEPATIC. Identifiers: MedGen C1856301.
Glycogen storage disease, type IV (GSD4). Also called: GBE1 DEFICIENCY; GLYCOGEN BRANCHING ENZYME DEFICIENCY; GLYCOGENOSIS IV; Glycogen storage disease due to glycogen branching enzyme deficiency; GSD IV; AMYLOPECTINOSIS. Identifiers: Orphanet 367, MedGen C0017923, MONDO:0009292, OMIM 232500.

Submission:

Labcorp Genetics (formerly Invitae), Labcorp
Classification: Uncertain significance for Glycogen storage disease, type IV; Glycogen storage disease IV, classic hepatic. Last evaluated: 2024-12-02. Review status: criteria provided, single submitter. Criteria: Invitae Variant Classification Sherloc (09022015). Collection method: clinical testing. Allele origin: germline.
Comment: This sequence change replaces glycine with aspartic acid at codon 531 of the GBE1 protein (p.Gly531Asp). The glycine residue is highly conserved and there is a moderate physicochemical difference between glycine and aspartic acid. This variant is not present in population databases (gnomAD no frequency). This variant has not been reported in the literature in individuals affected with GBE1-related conditions. ClinVar contains an entry for this variant (Variation ID: 1516847). Invitae Evidence Modeling of protein sequence and biophysical properties (such as structural, functional, and spatial information, amino acid conservation, physicochemical variation, residue mobility, and thermodynamic stability) indicates that this missense variant is expected to disrupt GBE1 protein function with a positive predictive value of 95%. In summary, the available evidence is currently insufficient to determine the role of this variant in disease. Therefore, it has been classified as a Variant of Uncertain Significance.